The following is an entry in ClinVar:

NM_177438.3(DICER1):c.4006C>G (p.Pro1336Ala)

Gene: DICER1 (dicer 1, ribonuclease III; minus strand). Cytogenetic location: 14q32.13.
Variant type: single nucleotide variant.
Coding change: c.4006C>G on transcript NM_177438.3 (MANE Select); coding-DNA position 4006, C replaced by G.
Protein change: p.Pro1336Ala; replaces proline 1336 with alanine.
Molecular consequence: missense variant. On other transcripts: non-coding transcript variant (6).
Genome position (GRCh38, 1-based): chr14:95,103,390, G>C on the plus strand (C>G on the coding strand, the complement: DICER1 is on the minus strand). VCF-style: chr14-95103390-G-C. GRCh37 (hg19) VCF-style: chr14-95569727-G-C.
Other names: c.4006C>G, p.Pro1336Ala (NM_001195573.1, NM_001271282.3, NM_001291628.2 and 13 more transcripts); c.3724C>G, p.Pro1242Ala (NM_001395686.1); c.3601C>G, p.Pro1201Ala (NM_001395687.1, NM_001395688.1, NM_001395689.1 and 2 more transcripts); c.3439C>G, p.Pro1147Ala (NM_001395691.1); c.2323C>G, p.Pro775Ala (NM_001395697.1); short protein forms P1242A, P1201A, P1336A, P1147A, P775A.
Identifiers: ClinVar variation 1736970 (VCV001736970.2), dbSNP rs1595363819, ClinGen allele CA390872972.

ClinVar aggregate classification (germline): Uncertain significance (1 of 4 stars; one submission).

Conditions:
Hereditary cancer-predisposing syndrome. Also called: Neoplastic Syndromes, Hereditary; Tumor predisposition; Hereditary Cancer Syndrome; Hereditary neoplastic syndrome. Identifiers: Orphanet 140162, MedGen C0027672, MeSH D009386, MONDO:0015356.

Submission:

Ambry Genetics
Classification: Uncertain significance for Hereditary cancer-predisposing syndrome. Last evaluated: 2021-06-02. Review status: criteria provided, single submitter. Criteria: Ambry Variant Classification Scheme 2023. Collection method: clinical testing. Allele origin: germline.
Comment: The p.P1336A variant (also known as c.4006C>G), located in coding exon 20 of the DICER1 gene, results from a C to G substitution at nucleotide position 4006. The proline at codon 1336 is replaced by alanine, an amino acid with highly similar properties. This amino acid position is highly conserved in available vertebrate species. In addition, this alteration is predicted to be deleterious by in silico analysis. Since supporting evidence is limited at this time, the clinical significance of this alteration remains unclear.